The following is an entry in ClinVar:

ClinVar aggregate classification (germline): Uncertain significance (1 of 4 stars; one submission).

Allele frequency attached by ClinVar (database versions not stated): gnomAD exomes 0.00001; TOPMed 0.00001.
gnomAD v4.1: 11 of 1,548,334 alleles (0.00071%); highest among the groups gnomAD compares: Non-Finnish European, 0.00096%; no homozygotes.

Submission:

Labcorp Genetics (formerly Invitae), Labcorp
Classification: Uncertain significance. Last evaluated: 2023-07-17. Review status: criteria provided, single submitter. Criteria: Invitae Variant Classification Sherloc (09022015). Collection method: clinical testing. Allele origin: germline.
Comment: An algorithm developed to predict the effect of missense changes on protein structure and function (PolyPhen-2) suggests that this variant is likely to be tolerated. In summary, the available evidence is currently insufficient to determine the role of this variant in disease. Therefore, it has been classified as a Variant of Uncertain Significance. ClinVar contains an entry for this variant (Variation ID: 1045248). This variant has not been reported in the literature in individuals affected with TULP1-related conditions. This variant is not present in population databases (gnomAD no frequency). This sequence change replaces alanine, which is neutral and non-polar, with valine, which is neutral and non-polar, at codon 64 of the TULP1 protein (p.Ala64Val).

NM_003322.6(TULP1):c.191C>T (p.Ala64Val)

Gene: TULP1 (TUB like protein 1; minus strand). Cytogenetic location: 6p21.31.
Variant type: single nucleotide variant.
Coding change: c.191C>T on transcript NM_003322.6 (MANE Select); coding-DNA position 191, C replaced by T.
Protein change: p.Ala64Val; replaces alanine 64 with valine.
Molecular consequence: missense variant. On other transcripts: intron variant (1).
Genome position (GRCh38, 1-based): chr6:35,511,806, G>A on the plus strand (C>T on the coding strand, the complement: TULP1 is on the minus strand). VCF-style: chr6-35511806-G-A. GRCh37 (hg19) VCF-style: chr6-35479583-G-A.
Other names: c.190+374C>T (NM_001289395.2); short protein forms A64V.
Identifiers: ClinVar variation 1045248 (VCV001045248.8), dbSNP rs1286215025, ClinGen allele CA363784809.
Genomic context (GRCh38, chr6:35,511,806, plus strand): 5'-GGCGCCCGGGCCTGGGCTGGGTCTGGGGAAGGCTCCTCCCGCGGCCTCCCCGTCCGCCCA[G>A]CTGAGCCGAGATGCGGGGTTCAGACAGGGTCCCATCCGCGGGTCCGCGAGGCAGCGCCTC-3'
Protein context (NP_003313.3, residues 54-74): PTGSKPRKPG[Ala64Val]GRTGRPREEP